The following is an entry in ClinVar:

ClinVar aggregate classification (germline): Uncertain significance (1 of 4 stars; one submission).

Submission:

GeneDx
Classification: Uncertain significance. Last evaluated: 2026-02-13. Review status: criteria provided, single submitter. Criteria: GeneDx Variant Classification Process June 2021. Collection method: clinical testing. Allele origin: germline.
Comment: Not observed at significant frequency in large population cohorts (gnomAD); In silico analysis suggests that this missense variant does not alter protein structure/function; Has not been previously published as pathogenic or benign to our knowledge

NM_001367624.2(ZNF469):c.9679C>T (p.Leu3227Phe)

Gene: ZNF469 (zinc finger protein 469; plus strand). Cytogenetic location: 16q24.2.
Variant type: single nucleotide variant.
Coding change: c.9679C>T on transcript NM_001367624.2 (MANE Select); coding-DNA position 9679, C replaced by T.
Protein change: p.Leu3227Phe; replaces leucine 3227 with phenylalanine.
Molecular consequence: missense variant.
Genome position (GRCh38, 1-based): chr16:88,437,149, C>T. VCF-style: chr16-88437149-C-T. GRCh37 (hg19) VCF-style: chr16-88503557-C-T.
Other names: NM_001127464.1:c.9595C>T; short protein forms L3227F.
Identifiers: ClinVar variation 4891355 (VCV004891355.1).